The following is an entry in ClinVar:

ClinVar aggregate classification (germline): Uncertain significance (1 of 4 stars; one submission).

Conditions:
Joubert syndrome. Also called: CEREBELLOPARENCHYMAL DISORDER IV; JOUBERT-BOLTSHAUSER SYNDROME; Familial aplasia of the vermis. Identifiers: Orphanet 475, MedGen C5979921, MONDO:0018772.
Meckel-Gruber syndrome. Also called: DYSENCEPHALIA SPLANCHNOCYSTICA; GRUBER SYNDROME; Dysencephalia splachnocystica. Identifiers: Orphanet 564, MedGen C0265215, MONDO:0018921.

Submission:

Labcorp Genetics (formerly Invitae), Labcorp
Classification: Uncertain significance for Joubert syndrome; Meckel-Gruber syndrome. Last evaluated: 2021-09-21. Review status: criteria provided, single submitter. Criteria: Invitae Variant Classification Sherloc (09022015). Collection method: clinical testing. Allele origin: germline.
Comment: This variant has not been reported in the literature in individuals affected with TCTN2-related conditions. In summary, the available evidence is currently insufficient to determine the role of this variant in disease. Therefore, it has been classified as a Variant of Uncertain Significance. Algorithms developed to predict the effect of missense changes on protein structure and function are either unavailable or do not agree on the potential impact of this missense change (SIFT: "Tolerated"; PolyPhen-2: "Probably Damaging"; Align-GVGD: "Class C0"). This variant is not present in population databases (ExAC no frequency). This sequence change replaces proline with alanine at codon 349 of the TCTN2 protein (p.Pro349Ala). The proline residue is highly conserved and there is a small physicochemical difference between proline and alanine.

NM_024809.5(TCTN2):c.1045C>G (p.Pro349Ala)

Gene: TCTN2 (tectonic family member 2; plus strand). Cytogenetic location: 12q24.31.
Variant type: single nucleotide variant.
Coding change: c.1045C>G on transcript NM_024809.5 (MANE Select); coding-DNA position 1045, C replaced by G.
Protein change: p.Pro349Ala; replaces proline 349 with alanine.
Molecular consequence: missense variant.
Genome position (GRCh38, 1-based): chr12:123,692,669, C>G. VCF-style: chr12-123692669-C-G. GRCh37 (hg19) VCF-style: chr12-124177216-C-G.
Other names: c.1042C>G, p.Pro348Ala (NM_001143850.3); short protein forms P348A, P349A.
Identifiers: ClinVar variation 1380778 (VCV001380778.6), dbSNP rs2135843071, ClinGen allele CA387140909.